The following is an entry in ClinVar:

NM_001080517.3(SETD5):c.762T>G (p.Asn254Lys)

Gene: SETD5 (SET domain containing 5; plus strand). Cytogenetic location: 3p25.3.
Variant type: single nucleotide variant.
Coding change: c.762T>G on transcript NM_001080517.3 (MANE Select); coding-DNA position 762, T replaced by G.
Protein change: p.Asn254Lys; replaces asparagine 254 with lysine.
Molecular consequence: missense variant.
Genome position (GRCh38, 1-based): chr3:9,440,650, T>G. VCF-style: chr3-9440650-T-G. GRCh37 (hg19) VCF-style: chr3-9482334-T-G.
Other names: c.468T>G, p.Asn156Lys (NM_001292043.2, NM_001349451.2); short protein forms N156K, N254K.
Identifiers: ClinVar variation 2578932 (VCV002578932.28), dbSNP rs1251698010, ClinGen allele CA351687952.
Genomic context (GRCh38, chr3:9,440,650, plus strand): 5'-ACAACACCTACATTCTAGCAAGGAATTTGTGGGCAAACCTACTATTTTAGACACTATTAA[T>G]AAGACTGAATTGGCCTGTAATAACACAGTTATTGGTTCCCAAATGCAGGTAAGCACCAAA-3'
Protein context (NP_001073986.1, residues 244-264): VGKPTILDTI[Asn254Lys]KTELACNNTV

ClinVar aggregate classification (germline): Uncertain significance. Review status: criteria provided, multiple submitters, no conflicts (2 of 4 stars). 2 submissions from 2 submitters: Uncertain significance (2). Last evaluated 2023-07-01.

Allele frequency attached by ClinVar (database versions not stated): TOPMed below 0.00001.
gnomAD v4.1: 11 of 1,613,704 alleles (0.00068%); highest among the groups gnomAD compares: Non-Finnish European, 0.00085%; no homozygotes.

Submissions (2):

CeGaT Center for Human Genetics Tuebingen
Classification: Uncertain significance. Last evaluated: 2023-07-01. Review status: criteria provided, single submitter. Criteria: CeGaT Center For Human Genetics Tuebingen Variant Classification Criteria Version 2. Collection method: clinical testing. Allele origin: germline. Affected: yes. Observed: 1 variant allele.
Comment: SETD5: PM2

Labcorp Genetics (formerly Invitae), Labcorp
Classification: Uncertain significance. Last evaluated: 2023-02-14. Review status: criteria provided, single submitter. Criteria: Invitae Variant Classification Sherloc (09022015). Collection method: clinical testing. Allele origin: germline.
Comment: This sequence change replaces asparagine, which is neutral and polar, with lysine, which is basic and polar, at codon 254 of the SETD5 protein (p.Asn254Lys). This variant is present in population databases (no rsID available, gnomAD 0.01%). This variant has not been reported in the literature in individuals affected with SETD5-related conditions. Advanced modeling of protein sequence and biophysical properties (such as structural, functional, and spatial information, amino acid conservation, physicochemical variation, residue mobility, and thermodynamic stability) performed at Invitae indicates that this missense variant is not expected to disrupt SETD5 protein function. In summary, the available evidence is currently insufficient to determine the role of this variant in disease. Therefore, it has been classified as a Variant of Uncertain Significance.